The following is an entry in ClinVar:

NM_005251.3(FOXC2):c.1360T>A (p.Phe454Ile)

Gene: FOXC2 (forkhead box C2; plus strand). Cytogenetic location: 16q24.1.
Variant type: single nucleotide variant.
Coding change: c.1360T>A on transcript NM_005251.3 (MANE Select); coding-DNA position 1360, T replaced by A.
Protein change: p.Phe454Ile; replaces phenylalanine 454 with isoleucine.
Molecular consequence: missense variant.
Genome position (GRCh38, 1-based): chr16:86,568,695, T>A. VCF-style: chr16-86568695-T-A. GRCh37 (hg19) VCF-style: chr16-86602301-T-A.
Other names: short protein forms F454I.
Identifiers: ClinVar variation 1719584 (VCV001719584.5), dbSNP rs2507946618, ClinGen allele CA397010010.

ClinVar aggregate classification (germline): Uncertain significance (1 of 4 stars; one submission).

Submission:

Labcorp Genetics (formerly Invitae), Labcorp
Classification: Uncertain significance. Last evaluated: 2022-09-28. Review status: criteria provided, single submitter. Criteria: Invitae Variant Classification Sherloc (09022015). Collection method: clinical testing. Allele origin: germline.
Comment: This variant has not been reported in the literature in individuals affected with FOXC2-related conditions. Algorithms developed to predict the effect of missense changes on protein structure and function are either unavailable or do not agree on the potential impact of this missense change (SIFT: "Deleterious"; PolyPhen-2: "Probably Damaging"; Align-GVGD: "Class C0"). This variant is not present in population databases (gnomAD no frequency). In summary, the available evidence is currently insufficient to determine the role of this variant in disease. Therefore, it has been classified as a Variant of Uncertain Significance. This sequence change replaces phenylalanine, which is neutral and non-polar, with isoleucine, which is neutral and non-polar, at codon 454 of the FOXC2 protein (p.Phe454Ile).